The following is an entry in ClinVar:

ClinVar aggregate classification (germline): Uncertain significance (1 of 4 stars; one submission).

Submission:

Labcorp Genetics (formerly Invitae), Labcorp
Classification: Uncertain significance. Last evaluated: 2024-09-23. Review status: criteria provided, single submitter. Criteria: Invitae Variant Classification Sherloc (09022015). Collection method: clinical testing. Allele origin: germline.
Comment: This sequence change replaces lysine, which is basic and polar, with arginine, which is basic and polar, at codon 775 of the INTU protein (p.Lys775Arg). This variant is not present in population databases (gnomAD no frequency). This variant has not been reported in the literature in individuals affected with INTU-related conditions. Invitae Evidence Modeling of protein sequence and biophysical properties (such as structural, functional, and spatial information, amino acid conservation, physicochemical variation, residue mobility, and thermodynamic stability) indicates that this missense variant is not expected to disrupt INTU protein function with a negative predictive value of 80%. In summary, the available evidence is currently insufficient to determine the role of this variant in disease. Therefore, it has been classified as a Variant of Uncertain Significance.

NM_015693.4(INTU):c.2324A>G (p.Lys775Arg)

Genes: INTU (inturned planar cell polarity protein; plus strand), LOC123480930 (P300/CBP strongly-dependent group 1 enhancer GRCh37_chr4:128629462-128630661; plus strand). Cytogenetic location: 4q28.1.
Variant type: single nucleotide variant.
Coding change: c.2324A>G on transcript NM_015693.4 (MANE Select); coding-DNA position 2324, A replaced by G.
Protein change: p.Lys775Arg; replaces lysine 775 with arginine.
Molecular consequence: missense variant.
Genome position (GRCh38, 1-based): chr4:127,708,623, A>G. VCF-style: chr4-127708623-A-G. GRCh37 (hg19) VCF-style: chr4-128629778-A-G.
Other names: short protein forms K775R.
Identifiers: ClinVar variation 2790015 (VCV002790015.3), dbSNP rs2531034893, ClinGen allele CA358140763.
Genomic context (GRCh38, chr4:127,708,623, plus strand): 5'-TTTTTCAGGTCACTAAAAAGAAGTCTACTCTTCCAAATCCATTTCATTTGGGAAACTTGA[A>G]AAAGGACCTTCCAGAAAAAGAATTAGAAATATATAACACAGTGAAGTAAGAAACTTTCTT-3'
Protein context (NP_056508.2, residues 765-785): LPNPFHLGNL[Lys775Arg]KDLPEKELEI